The following is an entry in ClinVar:

NC_000011.10:g.2001029C>A

Genes: H19 (H19 imprinted maternally expressed transcript; minus strand), H19-ICR (H19/IGF2 imprinting control region; plus strand), MRPL23 (mitochondrial ribosomal protein L23; plus strand). Cytogenetic location: 11p15.5.
Variant type: single nucleotide variant.
Genome position: GRCh38 VCF-style: chr11-2001029-C-A. GRCh37 (hg19) VCF-style: chr11-2022259-C-A.
Identifiers: ClinVar variation 96747 (VCV000096747.2), dbSNP rs431825168, ClinGen allele CA345689.

ClinVar aggregate classification (germline): not provided (0 of 4 stars; one submission).

Conditions:
Beckwith-Wiedemann syndrome (BWS). Also called: EMG SYNDROME; Exomphalos macroglossia gigantism syndrome. Identifiers: Orphanet 116, MedGen C0004903, MONDO:0007534, OMIM 130650.

Submission:

UMR_S938_Pr. Le Bouc INSERM
No classification provided. Condition: Beckwith-Wiedemann syndrome. Review status: no classification provided. Collection method: not provided. Allele origin: germline.